The following is an entry in ClinVar:

ClinVar aggregate classification (germline): Pathogenic (1 of 4 stars; one submission).

Conditions:
Pseudo-Hurler polydystrophy. Also called: MUCOLIPIDOSIS IIIA; ML III; ML III ALPHA/BETA; Type III Mucolipidosis; ML IIIA; Mucolipidosis III Alpha/Beta. Identifiers: Orphanet 423461, Orphanet 577, MedGen C0033788, MONDO:0018931, OMIM 252600.
Mucolipidosis type II. Also called: Mucolipidosis II Alpha/Beta; ML II ALPHA/BETA; Mucolipidosis 2; ML 2; Inclusion cell disease; Leroy Disease. Identifiers: Orphanet 576, MedGen C2673377, MONDO:0009650, OMIM 252500.

Submission:

Labcorp Genetics (formerly Invitae), Labcorp
Classification: Pathogenic for Pseudo-Hurler polydystrophy; Mucolipidosis type II. Last evaluated: 2022-08-10. Review status: criteria provided, single submitter. Criteria: Invitae Variant Classification Sherloc (09022015). Collection method: clinical testing. Allele origin: germline.
Comment: This variant is not present in population databases (gnomAD no frequency). This sequence change creates a premature translational stop signal (p.Thr484Asnfs*23) in the GNPTAB gene. It is expected to result in an absent or disrupted protein product. Loss-of-function variants in GNPTAB are known to be pathogenic (PMID: 19617216, 25107912). This variant has not been reported in the literature in individuals affected with GNPTAB-related conditions. For these reasons, this variant has been classified as Pathogenic.

Literature cited by the submitters: PubMed 19617216; PubMed 25107912.

NM_024312.5(GNPTAB):c.1450dup (p.Thr484fs)

Gene: GNPTAB (N-acetylglucosamine-1-phosphate transferase subunits alpha and beta; minus strand). Cytogenetic location: 12q23.2.
Variant type: Duplication.
Coding change: c.1450dup on transcript NM_024312.5 (MANE Select); coding-DNA position 1450, one base duplicated (A; older notation c.1450dupA).
Protein change: p.Thr484fs; shifts the reading frame from threonine 484.
Molecular consequence: frameshift variant.
Genome position (GRCh38, 1-based): chr12:101,766,253, T duplicated on the plus strand (A on the coding strand, the reverse complement: GNPTAB is on the minus strand). VCF-style (leftmost placement, unchanged base first): chr12-101766252-G-GT. GRCh37 (hg19) VCF-style: chr12-102160030-G-GT.
Other names: short protein forms T484fs.
Identifiers: ClinVar variation 2021659 (VCV002021659.4), dbSNP rs2547958783, ClinGen allele CA2580085711.